The following is an entry in ClinVar:

NM_001370259.2(MEN1):c.*307T>G

Gene: MEN1 (menin 1; minus strand). Cytogenetic location: 11q13.1.
Variant type: single nucleotide variant.
Coding change: c.*307T>G on transcript NM_001370259.2 (MANE Select); 307 bases downstream of the stop codon, T replaced by G.
Molecular consequence: 3 prime UTR variant.
Genome position (GRCh38, 1-based): chr11:64,804,027, A>C on the plus strand (T>G on the coding strand, the complement: MEN1 is on the minus strand). VCF-style: chr11-64804027-A-C. GRCh37 (hg19) VCF-style: chr11-64571499-A-C.
Other names: c.*307T>G (NM_000244.4, NM_001370251.2, NM_001370260.2 and 9 more transcripts).
Identifiers: ClinVar variation 305307 (VCV000305307.9), dbSNP rs1804848, ClinGen allele CA10638988.

ClinVar aggregate classification (germline): Benign/Likely benign. Review status: criteria provided, multiple submitters, no conflicts (2 of 4 stars). 3 submissions from 2 submitters: Benign (1); Likely benign (2). Last evaluated 2019-02-28.

Conditions:
Hyperparathyroidism. Identifiers: MedGen C0020502, MONDO:0001741, HP:0000843.
Multiple endocrine neoplasia, type 1 (MEN1). Also called: MEA I; MEN I; WERMER SYNDROME; Endocrine adenomatosis multiple; MEN 1. Identifiers: Orphanet 652, MedGen C0025267, MeSH D018761, MONDO:0007540, OMIM 131100.

Allele frequency attached by ClinVar (database versions not stated): TOPMed 0.01046; gnomAD exomes 0.00139; 1000 Genomes Project 0.00919; gnomAD 0.00966 and 0.01026.

Submissions (3):

GeneDx
Classification: Likely benign. Last evaluated: 2019-02-28. Review status: criteria provided, single submitter. Criteria: GeneDx Variant Classification Process June 2021. Collection method: clinical testing. Allele origin: germline. Affected: yes.

Illumina Laboratory Services, Illumina
Classification: Benign for Multiple endocrine neoplasia, type 1. Last evaluated: 2018-01-13. Review status: criteria provided, single submitter. Criteria: ICSL Variant Classification Criteria 13 December 2019. Collection method: clinical testing. Allele origin: germline.
Comment: This variant was observed in the ICSL laboratory as part of a predisposition screen in an ostensibly healthy population. It had not been previously curated by ICSL or reported in the Human Gene Mutation Database (HGMD: prior to June 1st, 2018), and was therefore a candidate for classification through an automated scoring system. Utilizing variant allele frequency, disease prevalence and penetrance estimates, and inheritance mode, an automated score was calculated to assess if this variant is too frequent to cause the disease. Based on the score and internal cut-off values, a variant classified as benign is not then subjected to further curation. The score for this variant resulted in a classification of benign for this disease.

Illumina Laboratory Services, Illumina
Classification: Likely benign for Hyperparathyroidism. Last evaluated: 2018-01-13. Review status: criteria provided, single submitter. Criteria: ICSL Variant Classification Criteria 13 December 2019. Collection method: clinical testing. Allele origin: germline.
Comment: This variant was observed in the ICSL laboratory as part of a predisposition screen in an ostensibly healthy population. It had not been previously curated by ICSL or reported in the Human Gene Mutation Database (HGMD: prior to June 1st, 2018), and was therefore a candidate for classification through an automated scoring system. Utilizing variant allele frequency, disease prevalence and penetrance estimates, and inheritance mode, an automated score was calculated to assess if this variant is too frequent to cause the disease. Based on the score and internal cut-off values, a variant classified as likely benign is not then subjected to further curation. The score for this variant resulted in a classification of likely benign for this disease.